The following is an entry in ClinVar:

NM_001035.3(RYR2):c.7877G>T (p.Gly2626Val)

Gene: RYR2 (ryanodine receptor 2; plus strand). Cytogenetic location: 1q43.
Variant type: single nucleotide variant.
Coding change: c.7877G>T on transcript NM_001035.3 (MANE Select); coding-DNA position 7877, G replaced by T.
Protein change: p.Gly2626Val; replaces glycine 2626 with valine.
Molecular consequence: missense variant.
Genome position (GRCh38, 1-based): chr1:237,654,326, G>T. VCF-style: chr1-237654326-G-T. GRCh37 (hg19) VCF-style: chr1-237817626-G-T.
Other names: short protein forms G2626V.
Identifiers: ClinVar variation 4158449 (VCV004158449.1).

ClinVar aggregate classification (germline): Uncertain significance (1 of 4 stars; one submission).

Conditions:
Cardiovascular phenotype. Identifiers: MedGen CN230736.

gnomAD v4.1: 1 of 1,613,938 alleles (0.000062%); highest among the groups gnomAD compares: Non-Finnish European, 0.000085%; no homozygotes.

Submission:

Ambry Genetics
Classification: Uncertain significance for Cardiovascular phenotype. Last evaluated: 2025-09-05. Review status: criteria provided, single submitter. Criteria: Ambry Variant Classification Scheme 2023. Collection method: clinical testing. Allele origin: germline.
Comment: The p.G2626V variant (also known as c.7877G>T), located in coding exon 52 of the RYR2 gene, results from a G to T substitution at nucleotide position 7877. The glycine at codon 2626 is replaced by valine, an amino acid with dissimilar properties. This amino acid position is highly conserved in available vertebrate species. In addition, this alteration is predicted to be deleterious by in silico analysis. Based on the available evidence, the clinical significance of this variant remains unclear.